The following is an entry in ClinVar:

NM_198428.3(BBS9):c.989C>T (p.Pro330Leu)

Gene: BBS9 (Bardet-Biedl syndrome 9; plus strand). Cytogenetic location: 7p14.3.
Variant type: single nucleotide variant.
Coding change: c.989C>T on transcript NM_198428.3 (MANE Select); coding-DNA position 989, C replaced by T.
Protein change: p.Pro330Leu; replaces proline 330 with leucine.
Molecular consequence: missense variant. On other transcripts: non-coding transcript variant (3).
Genome position (GRCh38, 1-based): chr7:33,273,929, C>T. VCF-style: chr7-33273929-C-T. GRCh37 (hg19) VCF-style: chr7-33313541-C-T.
Other names: c.989C>T (NM_198428.2); c.989C>T, p.Pro330Leu (NM_001033604.2, NM_001033605.2, NM_001348036.1 and 5 more transcripts); c.623C>T, p.Pro208Leu (NM_001348037.3, NM_001348044.3, NM_001348045.3 and 1 more transcripts); c.716C>T, p.Pro239Leu (NM_001348038.3, NM_001348039.3); c.854C>T, p.Pro285Leu (NM_001348042.3); short protein forms P208L, P239L, P285L, P330L.
Identifiers: ClinVar variation 1008156 (VCV001008156.9), dbSNP rs370056161, ClinGen allele CA4214156.

ClinVar aggregate classification (germline): Uncertain significance. Review status: criteria provided, multiple submitters, no conflicts (2 of 4 stars). 2 submissions from 2 submitters: Uncertain significance (2). Last evaluated 2025-10-24.

Conditions:
Bardet-Biedl syndrome (BBS). Identifiers: Orphanet 110, MedGen C0752166, MONDO:0015229.
BBS9-related disorder. Also called: BBS9-related condition.

Allele frequency attached by ClinVar (database versions not stated): gnomAD exomes below 0.00001 and 0.00001; ExAC 0.00001; gnomAD 0.00001; ESP Exome Variant Server 0.00008.
gnomAD v4.1: 3 of 1,613,490 alleles (0.00019%); highest among the groups gnomAD compares: Non-Finnish European, 0.00025%; no homozygotes.

Submissions (2):

PreventionGenetics, part of Exact Sciences
Classification: Uncertain significance for BBS9-related condition. Last evaluated: 2025-10-24. Review status: criteria provided, single submitter. Criteria: ACMG Guidelines, 2015. Collection method: clinical testing. Allele origin: germline.
Comment: The BBS9 c.989C>T variant is predicted to result in the amino acid substitution p.Pro330Leu. To our knowledge, this variant has not been reported in the literature. This variant is reported in 0.0018% of alleles in individuals of European (Non-Finnish) descent in gnomAD. At this time, the clinical significance of this variant is uncertain due to the absence of conclusive functional and genetic evidence.

Labcorp Genetics (formerly Invitae), Labcorp
Classification: Uncertain significance for Bardet-Biedl syndrome. Last evaluated: 2022-01-18. Review status: criteria provided, single submitter. Criteria: Invitae Variant Classification Sherloc (09022015). Collection method: clinical testing. Allele origin: germline.
Comment: This variant is present in population databases (rs370056161, gnomAD 0.002%). This variant has not been reported in the literature in individuals affected with BBS9-related conditions. This sequence change replaces proline, which is neutral and non-polar, with leucine, which is neutral and non-polar, at codon 330 of the BBS9 protein (p.Pro330Leu). ClinVar contains an entry for this variant (Variation ID: 1008156). In summary, the available evidence is currently insufficient to determine the role of this variant in disease. Therefore, it has been classified as a Variant of Uncertain Significance. Algorithms developed to predict the effect of missense changes on protein structure and function (SIFT, PolyPhen-2, Align-GVGD) all suggest that this variant is likely to be disruptive.